The following is an entry in ClinVar:

ClinVar aggregate classification (germline): Uncertain significance (1 of 4 stars; one submission).

gnomAD v4.1: 1 of 1,612,616 alleles (0.000062%); highest among the groups gnomAD compares: Non-Finnish European, 0.000085%; no homozygotes.

Submission:

Labcorp Genetics (formerly Invitae), Labcorp
Classification: Uncertain significance. Last evaluated: 2025-07-30. Review status: criteria provided, single submitter. Criteria: Invitae Variant Classification Sherloc (09022015). Collection method: clinical testing. Allele origin: germline.
Comment: This sequence change creates a premature translational stop signal (p.Glu347*) in the CERS3 gene. While this is not anticipated to result in nonsense mediated decay, it is expected to disrupt the last 37 amino acid(s) of the CERS3 protein. This variant is not present in population databases (gnomAD no frequency). This variant has not been reported in the literature in individuals affected with CERS3-related conditions. Experimental studies and prediction algorithms are not available or were not evaluated, and the functional significance of this variant is currently unknown. In summary, the available evidence is currently insufficient to determine the role of this variant in disease. Therefore, it has been classified as a Variant of Uncertain Significance.

NM_001378789.1(CERS3):c.1039G>T (p.Glu347Ter)

Genes: CERS3 (ceramide synthase 3; minus strand), CERS3-AS1 (CERS3 antisense RNA 1; plus strand). Cytogenetic location: 15q26.3.
Variant type: single nucleotide variant.
Coding change: c.1039G>T on transcript NM_001378789.1 (MANE Select); coding-DNA position 1039, G replaced by T.
Protein change: p.Glu347Ter; replaces glutamic acid 347 with a stop codon.
Molecular consequence: nonsense.
Genome position (GRCh38, 1-based): chr15:100,402,826, C>A on the plus strand (G>T on the coding strand, the complement: CERS3 is on the minus strand). VCF-style: chr15-100402826-C-A. GRCh37 (hg19) VCF-style: chr15-100943031-C-A.
Other names: c.1072G>T, p.Glu358Ter (NM_001290341.2); c.1039G>T, p.Glu347Ter (NM_001290342.2, NM_001290343.2, NM_178842.5); short protein forms E347*, E358*.
Identifiers: ClinVar variation 4755096 (VCV004755096.1).
Genomic context (GRCh38, chr15:100,402,826, plus strand): 5'-TCTTTAAACAATCCATCTCTTTGCCTTTGGTAGCCTCTTCTTCTTCCTCTTCCTCTTCCT[C>A]TTCATAATCCTCGTCATCACTCCTCACATCCTGGATGCTCTAGACAAAGGAAAGAATTGG-3'